The following is an entry in ClinVar:

NM_001042545.2(LTBP4):c.3373G>A (p.Ala1125Thr)

Gene: LTBP4 (latent transforming growth factor beta binding protein 4; plus strand). Cytogenetic location: 19q13.2.
Variant type: single nucleotide variant.
Coding change: c.3373G>A on transcript NM_001042545.2 (MANE Select); coding-DNA position 3373, G replaced by A.
Protein change: p.Ala1125Thr; replaces alanine 1125 with threonine.
Molecular consequence: missense variant.
Genome position (GRCh38, 1-based): chr19:40,622,556, G>A. VCF-style: chr19-40622556-G-A. GRCh37 (hg19) VCF-style: chr19-41128461-G-A.
Other names: c.3574G>A, p.Ala1192Thr (NM_001042544.1); c.3463G>A, p.Ala1155Thr (NM_003573.2); short protein forms A1192T, A1125T, A1155T.
Identifiers: ClinVar variation 1972376 (VCV001972376.6), dbSNP rs769395870, ClinGen allele CA9448991.

ClinVar aggregate classification (germline): Uncertain significance. Review status: criteria provided, multiple submitters, no conflicts (2 of 4 stars). 2 submissions from 2 submitters: Uncertain significance (2). Last evaluated 2025-08-06.

Allele frequency attached by ClinVar (database versions not stated): gnomAD exomes 0.00001; ExAC 0.00002.
gnomAD v4.1: 19 of 1,613,934 alleles (0.0012%); highest among the groups gnomAD compares: South Asian, 0.02%; 1 homozygote.

Submissions (2):

GeneDx
Classification: Uncertain significance. Last evaluated: 2025-08-06. Review status: criteria provided, single submitter. Criteria: GeneDx Variant Classification Process June 2021. Collection method: clinical testing. Allele origin: germline. Affected: yes.
Comment: Has not been previously published as pathogenic or benign to our knowledge; In silico analysis supports that this missense variant has a deleterious effect on protein structure/function

Labcorp Genetics (formerly Invitae), Labcorp
Classification: Uncertain significance. Last evaluated: 2022-02-06. Review status: criteria provided, single submitter. Criteria: Invitae Variant Classification Sherloc (09022015). Collection method: clinical testing. Allele origin: germline.
Comment: In summary, the available evidence is currently insufficient to determine the role of this variant in disease. Therefore, it has been classified as a Variant of Uncertain Significance. Experimental studies and prediction algorithms are not available or were not evaluated, and the functional significance of this variant is currently unknown. This variant has not been reported in the literature in individuals affected with LTBP4-related conditions. This variant is present in population databases (rs769395870, gnomAD 0.02%), including at least one homozygous and/or hemizygous individual. This sequence change replaces alanine, which is neutral and non-polar, with threonine, which is neutral and polar, at codon 1155 of the LTBP4 protein (p.Ala1155Thr).